The following is an entry in ClinVar:

ClinVar aggregate classification (germline): Uncertain significance (1 of 4 stars; one submission).

Submission:

Labcorp Genetics (formerly Invitae), Labcorp
Classification: Uncertain significance. Last evaluated: 2021-01-03. Review status: criteria provided, single submitter. Criteria: Invitae Variant Classification Sherloc (09022015). Collection method: clinical testing. Allele origin: germline.
Comment: In summary, the available evidence is currently insufficient to determine the role of this variant in disease. Therefore, it has been classified as a Variant of Uncertain Significance. Algorithms developed to predict the effect of missense changes on protein structure and function are either unavailable or do not agree on the potential impact of this missense change (SIFT: "Deleterious"; PolyPhen-2: "Possibly Damaging"; Align-GVGD: "Class C0"). This variant has not been reported in the literature in individuals with WNT1-related conditions. This variant is present in population databases (rs200097796, ExAC 0.01%). This sequence change replaces glycine with tryptophan at codon 84 of the WNT1 protein (p.Gly84Trp). The glycine residue is moderately conserved and there is a large physicochemical difference between glycine and tryptophan.

NM_005430.4(WNT1):c.250G>T (p.Gly84Trp)

Gene: WNT1 (Wnt family member 1; plus strand). Cytogenetic location: 12q13.12.
Variant type: single nucleotide variant.
Coding change: c.250G>T on transcript NM_005430.4 (MANE Select); coding-DNA position 250, G replaced by T.
Protein change: p.Gly84Trp; replaces glycine 84 with tryptophan.
Molecular consequence: missense variant.
Genome position (GRCh38, 1-based): chr12:48,979,613, G>T. VCF-style: chr12-48979613-G-T. GRCh37 (hg19) VCF-style: chr12-49373396-G-T.
Other names: short protein forms G84W.
Identifiers: ClinVar variation 1500070 (VCV001500070.8), dbSNP rs200097796, ClinGen allele CA6544348.
Genomic context (GRCh38, chr12:48,979,613, plus strand): 5'-TTGAGCCGCAAACAGCGGCGTCTGATACGCCAAAATCCGGGGATCCTGCACAGCGTGAGT[G>T]GGGGGCTGCAGAGTGCCGTGCGCGAGTGCAAGTGGCAGTTCCGGAATCGCCGCTGGAACT-3'
Protein context (NP_005421.1, residues 74-94): QNPGILHSVS[Gly84Trp]GLQSAVRECK